The following is an entry in ClinVar:

ClinVar aggregate classification (germline): Likely benign. Review status: criteria provided, multiple submitters, no conflicts (2 of 4 stars). 4 submissions from 4 submitters: Likely benign (3). 1 of the submissions does not count toward it. Last evaluated 2025-03-13.

Conditions:
CHRNA2-related disorder. Also called: CHRNA2-related condition.
Familial sleep-related hypermotor epilepsy. Also called: Autosomal Dominant Sleep-Related Hypermotor (Hyperkinetic) Epilepsy. Identifiers: Orphanet 98784, MedGen C3696898, MONDO:0000030.

Allele frequency attached by ClinVar (database versions not stated): TOPMed 0.00003; 1000 Genomes Project 30x 0.00016; 1000 Genomes Project 0.00020; ExAC 0.00002; gnomAD 0.00003; gnomAD exomes 0.00003.

Submissions (4):

Labcorp Genetics (formerly Invitae), Labcorp
Classification: Likely benign. Last evaluated: 2025-03-13. Review status: criteria provided, single submitter. Criteria: Invitae Variant Classification Sherloc (09022015). Collection method: clinical testing. Allele origin: germline.

Blueprint Genetics
Classification: Likely benign. Last evaluated: 2023-07-11. Review status: criteria provided, single submitter. Criteria: ACMG Guidelines, 2015. Collection method: clinical testing. Allele origin: germline.

GeneDx
Classification: Likely benign. Last evaluated: 2020-10-05. Review status: criteria provided, single submitter. Criteria: GeneDx Variant Classification Process June 2021. Collection method: clinical testing. Allele origin: germline. Affected: yes.

PreventionGenetics, part of Exact Sciences
Classification: Likely benign for CHRNA2-related condition. Last evaluated: 2021-05-11. Review status: no assertion criteria provided. Collection method: clinical testing. Allele origin: germline. Not counted in ClinVar's aggregate classification.
Comment: This variant is classified as likely benign based on ACMG/AMP sequence variant interpretation guidelines (Richards et al. 2015 PMID: 25741868, with internal and published modifications).

NM_000742.4(CHRNA2):c.228G>A (p.Pro76=)

Gene: CHRNA2 (cholinergic receptor nicotinic alpha 2 subunit; minus strand). Cytogenetic location: 8p21.2.
Variant type: single nucleotide variant.
Coding change: c.228G>A on transcript NM_000742.4 (MANE Select); coding-DNA position 228, G replaced by A.
Protein change: p.Pro76=; no amino-acid change (proline 76 retained).
Molecular consequence: synonymous variant. On other transcripts: 5 prime UTR variant (4).
Genome position (GRCh38, 1-based): chr8:27,469,827, C>T on the plus strand (G>A on the coding strand, the complement: CHRNA2 is on the minus strand). VCF-style: chr8-27469827-C-T. GRCh37 (hg19) VCF-style: chr8-27327344-C-T.
Other names: c.228G>A, p.Pro76= (NM_001282455.2); c.-200G>A (NM_001347705.2); c.-245G>A (NM_001347706.2); c.-186G>A (NM_001347707.2); c.-234G>A (NM_001347708.2).
Identifiers: ClinVar variation 506611 (VCV000506611.11), dbSNP rs200277900, ClinGen allele CA4689755.